The following is an entry in ClinVar:

ClinVar aggregate classification (germline): Benign. Review status: criteria provided, multiple submitters, no conflicts (2 of 4 stars). 2 submissions from 2 submitters: Benign (2). Last evaluated 2018-06-19.

Allele frequency attached by ClinVar (database versions not stated): TOPMed 0.33301; gnomAD 0.33791 and 0.33999; 1000 Genomes Project 30x 0.34244; gnomAD exomes 0.34560; 1000 Genomes Project 0.34605.
gnomAD v4.1: 173,621 of 505,256 alleles (34%); highest among the groups gnomAD compares: East Asian, 45%; 30,681 homozygotes.

Submissions (2):

GeneDx
Classification: Benign. Last evaluated: 2018-06-19. Review status: criteria provided, single submitter. Criteria: GeneDx Variant Classification (06012015). Collection method: clinical testing. Allele origin: germline. Affected: yes.
Comment: This variant is considered likely benign or benign based on one or more of the following criteria: it is a conservative change, it occurs at a poorly conserved position in the protein, it is predicted to be benign by multiple in silico algorithms, and/or has population frequency not consistent with disease.

Breakthrough Genomics
Classification: Benign. Review status: criteria provided, single submitter. Criteria: ACMG Guidelines, 2015. Collection method: not provided. Allele origin: germline. Inheritance: Autosomal dominant inheritance. Affected: yes.

NM_001083962.2(TCF4):c.146-46302A>G

Gene: TCF4 (transcription factor 4; minus strand). Cytogenetic location: 18q21.2.
Variant type: single nucleotide variant.
Coding change: c.146-46302A>G on transcript NM_001083962.2 (MANE Select); 46302 bases into the intron before coding-DNA position 146, A replaced by G.
Molecular consequence: intron variant.
Genome position (GRCh38, 1-based): chr18:55,510,439, T>C on the plus strand (A>G on the coding strand, the complement: TCF4 is on the minus strand). VCF-style: chr18-55510439-T-C. GRCh37 (hg19) VCF-style: chr18-53177670-T-C.
Other names: c.452-46302A>G (NM_001243226.3); c.74-46302A>G (NM_001369584.1, NM_001369576.1, NM_001369577.1 and 15 more transcripts); c.146-46302A>G (NM_001369571.1, NM_001369567.1, NM_001243228.2 and 8 more transcripts); c.140-46302A>G (NM_001243230.2); c.19+140A>G (NM_001243231.2, NM_001348211.2).
Identifiers: ClinVar variation 679855 (VCV000679855.2), dbSNP rs9957668, ClinGen allele CA14537114.
Genomic context (GRCh38, chr18:55,510,439, plus strand): 5'-TTACTTTCTCATTTATATGTGTCCAACCTGACAGAAATTTGAAACCAAAATCCTGAACCA[T>C]GCATTTCAACCTAGAAGCCTTTGTAAAAACCCCAGTCAAATATGTCCAGCAATTCAAACT-3'